The following is an entry in ClinVar:

NM_003072.5(SMARCA4):c.3774+4A>T

Gene: SMARCA4 (SWI/SNF related BAF chromatin remodeling complex subunit ATPase 4; plus strand). Cytogenetic location: 19p13.2.
Variant type: single nucleotide variant.
Coding change: c.3774+4A>T on transcript NM_003072.5 (MANE Select); 4 bases into the intron after coding-DNA position 3774, A replaced by T.
Molecular consequence: intron variant.
Genome position (GRCh38, 1-based): chr19:11,033,521, A>T. VCF-style: chr19-11033521-A-T. GRCh37 (hg19) VCF-style: chr19-11144197-A-T.
Other names: c.3774+4A>T (NM_001128844.3, NM_001128849.3, NM_001128847.4 and 5 more transcripts).
Identifiers: ClinVar variation 1432265 (VCV001432265.6), dbSNP rs1600390948, ClinGen allele CA2573155686.

ClinVar aggregate classification (germline): Uncertain significance (1 of 4 stars; one submission).

Conditions:
Rhabdoid tumor predisposition syndrome 2 (RTPS2). Identifiers: Orphanet 231108, Orphanet 69077, MedGen C2750074, MONDO:0013224, OMIM 613325.

Submission:

Labcorp Genetics (formerly Invitae), Labcorp
Classification: Uncertain significance for Rhabdoid tumor predisposition syndrome 2. Last evaluated: 2025-11-17. Review status: criteria provided, single submitter. Criteria: Invitae Variant Classification Sherloc (09022015). Collection method: clinical testing. Allele origin: germline.
Comment: This sequence change falls in intron 26 of the SMARCA4 gene. It does not directly change the encoded amino acid sequence of the SMARCA4 protein. It affects a nucleotide within the consensus splice site. This variant is not present in population databases (gnomAD no frequency). This variant has not been reported in the literature in individuals affected with SMARCA4-related conditions. ClinVar contains an entry for this variant (Variation ID: 1432265). Variants that disrupt the consensus splice site are a relatively common cause of aberrant splicing (PMID: 17576681, 9536098). RNA analysis performed to evaluate the impact of this variant on mRNA splicing indicates it does not significantly alter splicing (internal data). In summary, the available evidence is currently insufficient to determine the role of this variant in disease. Therefore, it has been classified as a Variant of Uncertain Significance.

Literature cited by the submitters: PubMed 17576681; PubMed 9536098.